The following is an entry in ClinVar:

ClinVar aggregate classification (germline): Uncertain significance. Review status: criteria provided, multiple submitters, no conflicts (2 of 4 stars). 2 submissions from 2 submitters: Uncertain significance (2). Last evaluated 2025-04-07.

Allele frequency attached by ClinVar (database versions not stated): gnomAD 0.00001; gnomAD exomes 0.00001 and 0.00002; TOPMed 0.00001; ExAC 0.00002; 1000 Genomes Project 30x 0.00016; 1000 Genomes Project 0.00020.
gnomAD v4.1: 17 of 1,614,146 alleles (0.0011%); highest among the groups gnomAD compares: African/African-American, 0.008%; no homozygotes.

Submissions (2):

Labcorp Genetics (formerly Invitae), Labcorp
Classification: Uncertain significance. Last evaluated: 2025-04-07. Review status: criteria provided, single submitter. Criteria: Invitae Variant Classification Sherloc (09022015). Collection method: clinical testing. Allele origin: germline.
Comment: This sequence change replaces valine, which is neutral and non-polar, with methionine, which is neutral and non-polar, at codon 54 of the CIB2 protein (p.Val54Met). This variant is present in population databases (rs201062535, gnomAD 0.003%). This variant has not been reported in the literature in individuals affected with CIB2-related conditions. ClinVar contains an entry for this variant (Variation ID: 1041997). An algorithm developed to predict the effect of missense changes on protein structure and function (PolyPhen-2) suggests that this variant is likely to be disruptive. In summary, the available evidence is currently insufficient to determine the role of this variant in disease. Therefore, it has been classified as a Variant of Uncertain Significance.

Blueprint Genetics
Classification: Uncertain significance. Last evaluated: 2022-03-03. Review status: criteria provided, single submitter. Criteria: ACMG Guidelines, 2015. Collection method: clinical testing. Allele origin: germline.

NM_006383.4(CIB2):c.160G>A (p.Val54Met)

Gene: CIB2 (calcium and integrin binding family member 2; minus strand). Cytogenetic location: 15q25.1.
Variant type: single nucleotide variant.
Coding change: c.160G>A on transcript NM_006383.4 (MANE Select); coding-DNA position 160, G replaced by A.
Protein change: p.Val54Met; replaces valine 54 with methionine.
Molecular consequence: missense variant. On other transcripts: intron variant (2).
Genome position (GRCh38, 1-based): chr15:78,111,203, C>T on the plus strand (G>A on the coding strand, the complement: CIB2 is on the minus strand). VCF-style: chr15-78111203-C-T. GRCh37 (hg19) VCF-style: chr15-78403545-C-T.
Other names: c.31G>A, p.Val11Met (NM_001271888.2); c.52-1821G>A (NM_001271889.2); c.87-1694G>A (NM_001301224.2); short protein forms V54M, V11M.
Identifiers: ClinVar variation 1041997 (VCV001041997.8), dbSNP rs201062535, ClinGen allele CA7680322.